The following is an entry in ClinVar:

NM_003036.4(SKI):c.1039del (p.Ser347fs)

Gene: SKI (SKI proto-oncogene; plus strand). Cytogenetic location: 1p36.32.
Variant type: Deletion.
Coding change: c.1039del on transcript NM_003036.4 (MANE Select); coding-DNA position 1039, one base deleted (T; older notation c.1039delT).
Protein change: p.Ser347fs; shifts the reading frame from serine 347.
Molecular consequence: frameshift variant.
Genome position (GRCh38, 1-based): chr1:2,303,047, T deleted; the last of 2 consecutive T bases (chr1:2,303,046-2,303,047); deleting either gives the same sequence. VCF-style (leftmost placement, unchanged base first): chr1-2303045-CT-C. GRCh37 (hg19) VCF-style: chr1-2234484-CT-C.
Other names: short protein forms S347fs.
Identifiers: ClinVar variation 432707 (VCV000432707.2), dbSNP rs1553200666, ClinGen allele CA645372391.

ClinVar aggregate classification (germline): Uncertain significance (1 of 4 stars; one submission).

Submission:

GeneDx
Classification: Uncertain significance. Last evaluated: 2017-06-12. Review status: criteria provided, single submitter. Criteria: GeneDx Variant Classification (06012015). Collection method: clinical testing. Allele origin: germline. Affected: yes.
Comment: The c.1039delT variant in the SKI gene has not been reported previously as a pathogenic variant nor as a benign variant, to our knowledge. The c.1039delT variant causes a frameshift starting with codon Serine 347, changes this amino acid to a Proline residue, and creates a premature Stop codon at position 84 of the new reading frame, denoted p.Ser347ProfsX84. This variant is predicted to cause loss of normal protein function either through protein truncation or nonsense-mediated mRNA decay. The c.1039delT variant is not observed in large population cohorts (Lek et al., 2016; 1000 Genomes Consortium et al., 2015; Exome Variant Server). We interpret c.1039delT as a variant of uncertain significance.